The following is an entry in ClinVar:

ClinVar aggregate classification (germline): Uncertain significance. Review status: criteria provided, multiple submitters, no conflicts (2 of 4 stars). 2 submissions from 2 submitters: Uncertain significance (2). Last evaluated 2024-09-03.

Conditions:
Bardet-Biedl syndrome (BBS). Identifiers: Orphanet 110, MedGen C0752166, MONDO:0015229.
Inborn genetic diseases. Identifiers: MedGen C0950123, MeSH D030342.

Allele frequency attached by ClinVar (database versions not stated): TOPMed below 0.00001; gnomAD 0.00001; gnomAD exomes 0.00003; ExAC 0.00007.

Submissions (2):

Ambry Genetics
Classification: Uncertain significance for Inborn genetic diseases. Last evaluated: 2024-09-03. Review status: criteria provided, single submitter. Criteria: Ambry Variant Classification Scheme 2023. Collection method: clinical testing. Allele origin: germline.

Labcorp Genetics (formerly Invitae), Labcorp
Classification: Uncertain significance for Bardet-Biedl syndrome. Last evaluated: 2021-09-17. Review status: criteria provided, single submitter. Criteria: Invitae Variant Classification Sherloc (09022015). Collection method: clinical testing. Allele origin: germline.
Comment: This sequence change replaces tryptophan with arginine at codon 568 of the BBS12 protein (p.Trp568Arg). The tryptophan residue is moderately conserved and there is a moderate physicochemical difference between tryptophan and arginine. This variant is present in population databases (rs776555454, ExAC 0.05%). This variant has not been reported in the literature in individuals with BBS12-related conditions. Algorithms developed to predict the effect of missense changes on protein structure and function output the following: SIFT: "Tolerated"; PolyPhen-2: "Benign"; Align-GVGD: "Class C0". The arginine amino acid residue is found in multiple mammalian species, suggesting that this missense change does not adversely affect protein function. These predictions have not been confirmed by published functional studies and their clinical significance is uncertain. In summary, the available evidence is currently insufficient to determine the role of this variant in disease. Therefore, it has been classified as a Variant of Uncertain Significance.

NM_152618.3(BBS12):c.1702T>C (p.Trp568Arg)

Gene: BBS12 (Bardet-Biedl syndrome 12; plus strand). Cytogenetic location: 4q27.
Variant type: single nucleotide variant.
Coding change: c.1702T>C on transcript NM_152618.3 (MANE Select); coding-DNA position 1702, T replaced by C.
Protein change: p.Trp568Arg; replaces tryptophan 568 with arginine.
Molecular consequence: missense variant.
Genome position (GRCh38, 1-based): chr4:122,743,594, T>C. VCF-style: chr4-122743594-T-C. GRCh37 (hg19) VCF-style: chr4-123664749-T-C.
Other names: c.1702T>C, p.Trp568Arg (NM_001178007.2); c.1702T>C (NM_152618.2); short protein forms W568R.
Identifiers: ClinVar variation 2201635 (VCV002201635.3), dbSNP rs776555454, ClinGen allele CA3069495.